The following is an entry in ClinVar:

NM_015629.4(PRPF31):c.527+3A>G

Gene: PRPF31 (pre-mRNA processing factor 31; plus strand). Cytogenetic location: 19q13.42.
Variant type: single nucleotide variant.
Coding change: c.527+3A>G on transcript NM_015629.4 (MANE Select); 3 bases into the intron after coding-DNA position 527, A replaced by G.
Molecular consequence: intron variant.
Genome position (GRCh38, 1-based): chr19:54,123,563, A>G. VCF-style: chr19-54123563-A-G. GRCh37 (hg19) VCF-style: chr19-54626942-A-G.
Other names: IVS6DS, A-G, +3.
Identifiers: ClinVar variation 4360 (VCV000004360.14), dbSNP rs587776590, ClinGen allele CA253135.

ClinVar aggregate classification (germline): Pathogenic/Likely pathogenic. Review status: criteria provided, multiple submitters, no conflicts (2 of 4 stars). 6 submissions from 6 submitters: Pathogenic (3); Likely pathogenic (2). 1 of the submissions does not count toward it. Last evaluated 2026-08-12.

Conditions:
PRPF31-related disorder. Also called: PRPF31-related condition.
Retinitis pigmentosa 11 (RP11). Identifiers: Orphanet 791, MedGen C1838601, MONDO:0010828, OMIM 600138.
Retinal disorder. Also called: Retinopathies; Retinal Diseases; Retinal disorders; Retinopathy. Identifiers: MedGen C0035309, MONDO:0005283, HP:0000488.

Allele frequency attached by ClinVar (database versions not stated): gnomAD exomes below 0.00001.
gnomAD v4.1: 6 of 1,613,712 alleles (0.00037%); highest among the groups gnomAD compares: Non-Finnish European, 0.00051%; no homozygotes.

Submissions (6):

Genetics Laboratory, Great Ormond Street Hospital NHS Foundation Trust, North Thames Genomic Laboratory Hub
Classification: Likely pathogenic for Retinal disorders. Last evaluated: 2026-08-12. Review status: criteria provided, single submitter. Criteria: ACGS Best Practice Guidelines for Variant Classification in Rare Disease 2024 v1.2. Collection method: clinical testing. Allele origin: germline. Affected: yes.
Comment: PS4_moderate, PM2_moderate, PP1_strong

PreventionGenetics, part of Exact Sciences
Classification: Pathogenic for PRPF31-related condition. Last evaluated: 2026-06-30. Review status: criteria provided, single submitter. Criteria: ACMG Guidelines, 2015. Collection method: clinical testing. Allele origin: germline.
Comment: The PRPF31 c.527+3A>G variant is predicted to interfere with splicing. This variant has conflicting evidence about its impact on splicing based on available splicing prediction programs (SpliceAI, Jaganathan et al. 2019. PubMed ID: 30661751, Alamut Visual v2.11). However, the use of computer prediction programs is not equivalent to functional evidence. This variant has been reported in the heterozygous state in multiple individuals with retinitis pigmentosa or retinal disease (for examples: Table S1, Lin et al. 2024. PubMed ID: 38219857; Kiser et al. 2018. PubMed ID: 30582903; Vithana et al. 2001. PubMed ID: 11545739). This variant also segregated with disease in two families with retinitis pigmentosa (Waseem et al. 2007. PubMed ID: 17325180; Xie et al. 2018. PubMed ID: 29957067). This variant is absent in a large population database (gnomAD), indicating this variant is rare. This variant is interpreted as pathogenic.

Labcorp Genetics (formerly Invitae), Labcorp
Classification: Pathogenic. Last evaluated: 2025-10-14. Review status: criteria provided, single submitter. Criteria: Invitae Variant Classification Sherloc (09022015). Collection method: clinical testing. Allele origin: germline.
Comment: This sequence change falls in intron 6 of the PRPF31 gene. It does not directly change the encoded amino acid sequence of the PRPF31 protein. It affects a nucleotide within the consensus splice site. This variant is not present in population databases (gnomAD no frequency). This variant has been observed in individuals with autosomal dominant retinitis pigmentosa (PMID: 11545739, 29957067, 30582903). It has also been observed to segregate with disease in related individuals. This variant is also known as IVS6+3A>G. ClinVar contains an entry for this variant (Variation ID: 4360). Variants that disrupt the consensus splice site are a relatively common cause of aberrant splicing (PMID: 17576681, 9536098). Algorithms developed to predict the effect of sequence changes on RNA splicing suggest that this variant may disrupt the consensus splice site. For these reasons, this variant has been classified as Pathogenic.

Blueprint Genetics
Classification: Pathogenic for PRPF31-related disorders. Last evaluated: 2023-02-14. Review status: criteria provided, single submitter. Criteria: ACMG Guidelines, 2015. Collection method: clinical testing. Allele origin: germline. Affected: yes. Observed: 5 variant alleles.

Ocular Genomics Institute, Massachusetts Eye and Ear
Classification: Likely pathogenic for Retinitis pigmentosa 11. Last evaluated: 2021-04-08. Review status: criteria provided, single submitter. Criteria: ACMG Guidelines, 2015. Collection method: research. Allele origin: germline. Affected: yes.
Comment: Through a review of available evidence we were able to apply the following criteria: PM2, PP3, PP1-S. Based on this evidence we have classified this variant as Likely pathogenic.

OMIM
Classification: Pathogenic for RETINITIS PIGMENTOSA 11. Last evaluated: 2007-03-01. Review status: no assertion criteria provided. Collection method: literature only. Allele origin: germline. Not counted in ClinVar's aggregate classification.

Literature cited by the submitters: PubMed 11545739 (cited by 3 submitters); PubMed 29957067 (cited by Labcorp Genetics (formerly Invitae), Labcorp and Ocular Genomics Institute, Massachusetts Eye and Ear); PubMed 30582903 (cited by Labcorp Genetics (formerly Invitae), Labcorp and Ocular Genomics Institute, Massachusetts Eye and Ear); PubMed 17576681 (cited by Labcorp Genetics (formerly Invitae), Labcorp); PubMed 9536098 (cited by Labcorp Genetics (formerly Invitae), Labcorp); PubMed 8808602 (cited by Ocular Genomics Institute, Massachusetts Eye and Ear and OMIM); PubMed 17325180 (cited by Ocular Genomics Institute, Massachusetts Eye and Ear and OMIM); PubMed 25525159 (cited by Ocular Genomics Institute, Massachusetts Eye and Ear); PubMed 31054281 (cited by Ocular Genomics Institute, Massachusetts Eye and Ear).